The following is an entry in ClinVar:

ClinVar aggregate classification (germline): Uncertain significance. Review status: criteria provided, multiple submitters, no conflicts (2 of 4 stars). 2 submissions from 2 submitters: Uncertain significance (2). Last evaluated 2024-01-30.

Conditions:
Inborn genetic diseases. Identifiers: MedGen C0950123, MeSH D030342.

Allele frequency attached by ClinVar (database versions not stated): gnomAD exomes 0.00002; ExAC 0.00007; gnomAD 0.00015; TOPMed 0.00015.
gnomAD v4.1: 59 of 1,608,766 alleles (0.0037%); highest among the groups gnomAD compares: African/African-American, 0.024%; no homozygotes.

Submissions (2):

Ambry Genetics
Classification: Uncertain significance for Inborn genetic diseases. Last evaluated: 2024-01-30. Review status: criteria provided, single submitter. Criteria: Ambry Variant Classification Scheme 2023. Collection method: clinical testing. Allele origin: germline.

Labcorp Genetics (formerly Invitae), Labcorp
Classification: Uncertain significance. Last evaluated: 2022-08-06. Review status: criteria provided, single submitter. Criteria: Invitae Variant Classification Sherloc (09022015). Collection method: clinical testing. Allele origin: germline.
Comment: This sequence change replaces arginine, which is basic and polar, with cysteine, which is neutral and slightly polar, at codon 860 of the IARS2 protein (p.Arg860Cys). This variant is present in population databases (rs753731188, gnomAD 0.02%). This variant has not been reported in the literature in individuals affected with IARS2-related conditions. Algorithms developed to predict the effect of missense changes on protein structure and function are either unavailable or do not agree on the potential impact of this missense change (SIFT: "Deleterious"; PolyPhen-2: "Benign"; Align-GVGD: "Class C0"). In summary, the available evidence is currently insufficient to determine the role of this variant in disease. Therefore, it has been classified as a Variant of Uncertain Significance.

NM_018060.4(IARS2):c.2578C>T (p.Arg860Cys)

Gene: IARS2 (isoleucyl-tRNA synthetase 2, mitochondrial; plus strand). Cytogenetic location: 1q41.
Variant type: single nucleotide variant.
Coding change: c.2578C>T on transcript NM_018060.4 (MANE Select); coding-DNA position 2578, C replaced by T.
Protein change: p.Arg860Cys; replaces arginine 860 with cysteine.
Molecular consequence: missense variant.
Genome position (GRCh38, 1-based): chr1:220,142,961, C>T. VCF-style: chr1-220142961-C-T. GRCh37 (hg19) VCF-style: chr1-220316303-C-T.
Other names: c.2578C>T (NM_018060.3); short protein forms R860C.
Identifiers: ClinVar variation 2057862 (VCV002057862.2), dbSNP rs753731188, ClinGen allele CA1401815.
Genomic context (GRCh38, chr1:220,142,961, plus strand): 5'-TAGGATGTTTGTAAAGCAGTTTACTATTTTTGTTCTTCTGAAGAGCCCAAGAGTGTTTTC[C>T]GTACTGGGTGGATTAGTACTAGTTCTATCTGGAAAAAGCCCGGGTTGGAAGAAGCTGTGG-3'
Protein context (NP_060530.3, residues 850-870): PYIKEPKSVF[Arg860Cys]TGWISTSSIW